The following is an entry in ClinVar:

NM_001039111.3(TRIM71):c.615C>T (p.Gly205=)

Gene: TRIM71 (tripartite motif containing 71; plus strand). Cytogenetic location: 3p22.3.
Variant type: single nucleotide variant.
Coding change: c.615C>T on transcript NM_001039111.3 (MANE Select); coding-DNA position 615, C replaced by T.
Protein change: p.Gly205=; no amino-acid change (glycine 205 retained).
Molecular consequence: synonymous variant.
Genome position (GRCh38, 1-based): chr3:32,818,695, C>T. VCF-style: chr3-32818695-C-T. GRCh37 (hg19) VCF-style: chr3-32860187-C-T.
Identifiers: ClinVar variation 4084549 (VCV004084549.8).
Genomic context (GRCh38, chr3:32,818,695, plus strand): 5'-CGCTTCCCCGTCGGCGCTGCTGCTCCGCCGTCCTCACGGCTGCAGCTCGTGCGATGAGGG[C>T]AACGCAGCTTCTTCGCGCTGCCTCGACTGCCAGGAGCACCTGTGCGACAACTGCGTCCGA-3'
Protein context (NP_001034200.1, residues 195-215): RPHGCSSCDE[Gly205=]NAASSRCLDC

ClinVar aggregate classification (germline): Likely benign (1 of 4 stars; one submission).

gnomAD v4.1: 4 of 1,577,380 alleles (0.00025%); highest among the groups gnomAD compares: Middle Eastern, 0.017%; no homozygotes.

Submission:

CeGaT Center for Human Genetics Tuebingen
Classification: Likely benign. Last evaluated: 2025-07-01. Review status: criteria provided, single submitter. Criteria: CeGaT Center For Human Genetics Tuebingen Variant Classification Criteria Version 2. Collection method: clinical testing. Allele origin: germline. Affected: yes. Observed: 1 variant allele.
Comment: TRIM71: BP4, BP7